The following is an entry in ClinVar:

NM_001244008.2(KIF1A):c.560C>T (p.Thr187Ile)

Gene: KIF1A (kinesin family member 1A; minus strand). Cytogenetic location: 2q37.3.
Variant type: single nucleotide variant.
Coding change: c.560C>T on transcript NM_001244008.2 (MANE Select); coding-DNA position 560, C replaced by T.
Protein change: p.Thr187Ile; replaces threonine 187 with isoleucine.
Molecular consequence: missense variant.
Genome position (GRCh38, 1-based): chr2:240,786,383, G>A on the plus strand (C>T on the coding strand, the complement: KIF1A is on the minus strand). VCF-style: chr2-240786383-G-A. GRCh37 (hg19) VCF-style: chr2-241725800-G-A.
Other names: c.560C>T, p.Thr187Ile (NM_001320705.2, NM_001330289.2, NM_001330290.2 and 20 more transcripts); c.560C>T (NM_004321.5, NM_001244008.1); short protein forms T187I.
Identifiers: ClinVar variation 435631 (VCV000435631.19), dbSNP rs370623844, ClinGen allele CA2208750.

ClinVar aggregate classification (germline): Uncertain significance. Review status: criteria provided, multiple submitters, no conflicts (2 of 4 stars). 6 submissions from 6 submitters: Uncertain significance (6). Last evaluated 2026-04-17.

Conditions:
KIF1A-related disorder. Also called: KIF1A-related disorders; KIF1A-related condition.
Inborn genetic diseases. Identifiers: MedGen C0950123, MeSH D030342.
Hereditary spastic paraplegia 30. Identifiers: Orphanet 101010, MedGen C5235139, MONDO:0012476.
Intellectual disability, autosomal dominant 9 (NESCAVS). Also called: NESCAV SYNDROME; KIF1A-Related Neurodevelopmental Disorder. Identifiers: Orphanet 662367, MedGen C5393830, MONDO:0013656, OMIM 614255.
Neuropathy, hereditary sensory, type 2C. Also called: Hereditary sensory and autonomic neuropathy type IIC; KIF1A-Related HSAN2 (HSAN2C). Identifiers: Orphanet 970, MedGen C3280168, MONDO:0013634, OMIM 614213.

Allele frequency attached by ClinVar (database versions not stated): ExAC 0.00001; gnomAD 0.00001; gnomAD exomes 0.00001; TOPMed 0.00001; ESP Exome Variant Server 0.00008.
gnomAD v4.1: 31 of 1,613,588 alleles (0.0019%); highest among the groups gnomAD compares: Non-Finnish European, 0.0024%; no homozygotes.

Submissions (6):

PreventionGenetics, part of Exact Sciences
Classification: Uncertain significance for KIF1A-related condition. Last evaluated: 2026-04-17. Review status: criteria provided, single submitter. Criteria: ACMG Guidelines, 2015. Collection method: clinical testing. Allele origin: germline.
Comment: The KIF1A c.560C>T variant is predicted to result in the amino acid substitution p.Thr187Ile. To our knowledge, this variant has not been reported in the literature. This variant is reported in 0.0046% of alleles in individuals of European (Finnish) descent in gnomAD. At this time, the clinical significance of this variant is uncertain due to the absence of conclusive functional and genetic evidence.

Labcorp Genetics (formerly Invitae), Labcorp
Classification: Uncertain significance for Hereditary spastic paraplegia 30; Neuropathy, hereditary sensory, type 2C; Intellectual disability, autosomal dominant 9. Last evaluated: 2025-12-14. Review status: criteria provided, single submitter. Criteria: Invitae Variant Classification Sherloc (09022015). Collection method: clinical testing. Allele origin: germline.
Comment: This sequence change replaces threonine, which is neutral and polar, with isoleucine, which is neutral and non-polar, at codon 187 of the KIF1A protein (p.Thr187Ile). This variant is present in population databases (rs370623844, gnomAD 0.004%). This variant has not been reported in the literature in individuals affected with KIF1A-related conditions. ClinVar contains an entry for this variant (Variation ID: 435631). Invitae Evidence Modeling of protein sequence and biophysical properties (such as structural, functional, and spatial information, amino acid conservation, physicochemical variation, residue mobility, and thermodynamic stability) indicates that this missense variant is expected to disrupt KIF1A protein function with a positive predictive value of 95%. In summary, the available evidence is currently insufficient to determine the role of this variant in disease. Therefore, it has been classified as a Variant of Uncertain Significance.

Ambry Genetics
Classification: Uncertain significance for Inborn genetic diseases. Last evaluated: 2025-05-22. Review status: criteria provided, single submitter. Criteria: Ambry Variant Classification Scheme 2023. Collection method: clinical testing. Allele origin: germline.
Comment: The c.560C>T (p.T187I) alteration is located in exon 6 (coding exon 5) of the KIF1A gene. This alteration results from a C to T substitution at nucleotide position 560, causing the threonine (T) at amino acid position 187 to be replaced by an isoleucine (I). The in silico prediction for the p.T187I alteration is inconclusive. Based on insufficient or conflicting evidence, the clinical significance of this alteration remains unclear.

GeneDx
Classification: Uncertain significance. Last evaluated: 2025-03-14. Review status: criteria provided, single submitter. Criteria: GeneDx Variant Classification Process June 2021. Collection method: clinical testing. Allele origin: germline.
Comment: In silico analysis supports that this missense variant has a deleterious effect on protein structure/function; Has not been previously published as pathogenic or benign to our knowledge; This variant is associated with the following publications: (PMID: 26125038, 21820098, 21376300)

Women's Health and Genetics/Laboratory Corporation of America, LabCorp
Classification: Uncertain significance. Last evaluated: 2024-06-20. Review status: criteria provided, single submitter. Criteria: LabCorp Variant Classification Summary - May 2015. Collection method: clinical testing. Allele origin: germline.
Comment: Variant summary: KIF1A c.560C>T (p.Thr187Ile) results in a non-conservative amino acid change located in the Kinesin motor domain (IPR001752) of the encoded protein sequence. Three of five in-silico tools predict a damaging effect of the variant on protein function. The variant allele was found at a frequency of 1.2e-05 in 248932 control chromosomes. The available data on variant occurrences in the general population are insufficient to allow any conclusion about variant significance. To our knowledge, no occurrence of c.560C>T in individuals affected with NESCAV Syndrome and no experimental evidence demonstrating its impact on protein function have been reported. ClinVar contains an entry for this variant (Variation ID: 435631). Based on the evidence outlined above, the variant was classified as uncertain significance.

Genetic Services Laboratory, University of Chicago
Classification: Uncertain significance. Last evaluated: 2016-02-25. Review status: criteria provided, single submitter. Criteria: ACMG Guidelines, 2015. Collection method: clinical testing. Allele origin: germline. Affected: no.